The following is an entry in ClinVar:

ClinVar aggregate classification (germline): Uncertain significance (1 of 4 stars; one submission).

Allele frequency attached by ClinVar (database versions not stated): gnomAD 0.00002; gnomAD exomes 0.00002; TOPMed 0.00002.
gnomAD v4.1: 32 of 1,553,396 alleles (0.0021%); highest among the groups gnomAD compares: Admixed American, 0.0056%; no homozygotes.

Submission:

Labcorp Genetics (formerly Invitae), Labcorp
Classification: Uncertain significance. Last evaluated: 2023-03-12. Review status: criteria provided, single submitter. Criteria: Invitae Variant Classification Sherloc (09022015). Collection method: clinical testing. Allele origin: germline.
Comment: The frequency data for this variant in the population databases is considered unreliable, as metrics indicate poor data quality at this position in the gnomAD database. In summary, the available evidence is currently insufficient to determine the role of this variant in disease. Therefore, it has been classified as a Variant of Uncertain Significance. Variants that disrupt the consensus splice site are a relatively common cause of aberrant splicing (PMID: 17576681, 9536098). Algorithms developed to predict the effect of sequence changes on RNA splicing suggest that this variant is not likely to affect RNA splicing. This variant has not been reported in the literature in individuals affected with DGKZ-related conditions. This sequence change falls in intron 21 of the DGKZ gene. It does not directly change the encoded amino acid sequence of the DGKZ protein. It affects a nucleotide within the consensus splice site.

Literature cited by the submitters: PubMed 17576681; PubMed 9536098.

NM_001199267.2(DGKZ):c.1907+4C>T

Gene: DGKZ (diacylglycerol kinase zeta; plus strand). Cytogenetic location: 11p11.2.
Variant type: single nucleotide variant.
Coding change: c.1907+4C>T on transcript NM_001199267.2 (MANE Select); 4 bases into the intron after coding-DNA position 1907, C replaced by T.
Molecular consequence: intron variant.
Genome position (GRCh38, 1-based): chr11:46,375,635, C>T. VCF-style: chr11-46375635-C-T. GRCh37 (hg19) VCF-style: chr11-46397185-C-T.
Other names: c.1958+4C>T (NM_201532.3); c.1922+4C>T (NM_201533.3); c.1910+4C>T (NM_001199266.2, NM_003646.4); c.1841+4C>T (NM_001199268.2); c.2474+4C>T (NM_001105540.2).
Identifiers: ClinVar variation 2955986 (VCV002955986.3), dbSNP rs772706336, ClinGen allele CA5962986.